The following is an entry in ClinVar:

ClinVar aggregate classification (germline): Uncertain significance. Review status: criteria provided, multiple submitters, no conflicts (2 of 4 stars). 2 submissions from 2 submitters: Uncertain significance (2). Last evaluated 2024-12-31.

Conditions:
Cardiovascular phenotype. Identifiers: MedGen CN230736.

gnomAD v4.1: 1 of 1,614,142 alleles (0.000062%); highest among the groups gnomAD compares: East Asian, 0.0022%; no homozygotes.

Submissions (2):

GeneDx
Classification: Uncertain significance. Last evaluated: 2024-12-31. Review status: criteria provided, single submitter. Criteria: GeneDx Variant Classification Process June 2021. Collection method: clinical testing. Allele origin: germline. Affected: yes.
Comment: Not observed at significant frequency in large population cohorts (gnomAD); In silico analysis supports that this missense variant has a deleterious effect on protein structure/function; Has not been previously published as pathogenic or benign to our knowledge

Ambry Genetics
Classification: Uncertain significance for Cardiovascular phenotype. Last evaluated: 2023-12-29. Review status: criteria provided, single submitter. Criteria: Ambry Variant Classification Scheme 2023. Collection method: clinical testing. Allele origin: germline.
Comment: The p.H279Q variant (also known as c.837T>G), located in coding exon 5 of the TBX1 gene, results from a T to G substitution at nucleotide position 837. The histidine at codon 279 is replaced by glutamine, an amino acid with highly similar properties. This amino acid position is conserved. In addition, the in silico prediction for this alteration is inconclusive. Since supporting evidence is limited at this time, the clinical significance of this alteration remains unclear.

NM_001379200.1(TBX1):c.864T>G (p.His288Gln)

Gene: TBX1 (T-box transcription factor 1; plus strand). Cytogenetic location: 22q11.21.
Variant type: single nucleotide variant.
Coding change: c.864T>G on transcript NM_001379200.1 (MANE Select); coding-DNA position 864, T replaced by G.
Protein change: p.His288Gln; replaces histidine 288 with glutamine.
Molecular consequence: missense variant.
Genome position (GRCh38, 1-based): chr22:19,765,110, T>G. VCF-style: chr22-19765110-T-G. GRCh37 (hg19) VCF-style: chr22-19752633-T-G.
Other names: c.837T>G, p.His279Gln (NM_005992.1, NM_080646.2, NM_080647.1); short protein forms H279Q, H288Q.
Identifiers: ClinVar variation 3228972 (VCV003228972.2), dbSNP rs2145835334, ClinGen allele CA410683558.